The following is an entry in ClinVar:

ClinVar aggregate classification (germline): Uncertain significance. Review status: criteria provided, multiple submitters, no conflicts (2 of 4 stars). 2 submissions from 2 submitters: Uncertain significance (2). Last evaluated 2024-07-17.

Allele frequency attached by ClinVar (database versions not stated): ExAC 0.00001; gnomAD 0.00001; gnomAD exomes below 0.00001; TOPMed 0.00002.
gnomAD v4.1: 3 of 1,613,384 alleles (0.00019%); highest among the groups gnomAD compares: African/African-American, 0.0027%; no homozygotes.

Submissions (2):

GeneDx
Classification: Uncertain significance. Last evaluated: 2024-07-17. Review status: criteria provided, single submitter. Criteria: GeneDx Variant Classification Process June 2021. Collection method: clinical testing. Allele origin: germline. Affected: yes.
Comment: Has not been previously published as pathogenic or benign to our knowledge; Not observed at significant frequency in large population cohorts (gnomAD); Missense variant in a gene in which most reported pathogenic variants are truncating/loss of function

Eurofins Ntd Llc (ga)
Classification: Uncertain significance. Last evaluated: 2017-12-05. Review status: criteria provided, single submitter. Criteria: EGL Classification Definitions 2015. Collection method: clinical testing. Allele origin: germline. Observed: 1 variant allele, 1 heterozygote.

NM_001267550.2(TTN):c.78137A>G (p.His26046Arg)

Genes: TTN (titin; minus strand), TTN-AS1 (TTN antisense RNA 1; plus strand). Cytogenetic location: 2q31.2.
Variant type: single nucleotide variant.
Coding change: c.78137A>G on transcript NM_001267550.2 (MANE Select); coding-DNA position 78137, A replaced by G.
Protein change: p.His26046Arg; replaces histidine 26046 with arginine.
Molecular consequence: missense variant.
Genome position (GRCh38, 1-based): chr2:178,567,995, T>C on the plus strand (A>G on the coding strand, the complement: TTN is on the minus strand). VCF-style: chr2-178567995-T-C. GRCh37 (hg19) VCF-style: chr2-179432722-T-C.
Other names: c.73214A>G, p.His24405Arg (NM_001256850.1); c.50942A>G, p.His16981Arg (NM_003319.4); c.70433A>G, p.His23478Arg (NM_133378.4); c.51317A>G, p.His17106Arg (NM_133432.3); c.51518A>G, p.His17173Arg (NM_133437.4); c.78137A>G (NM_001267550.1); short protein forms H26046R, H23478R, H17106R, H24405R, H16981R, H17173R.
Identifiers: ClinVar variation 595227 (VCV000595227.6), dbSNP rs780141110, ClinGen allele CA1989654.